The following is an entry in ClinVar:

NM_002800.5(PSMB9):c.421C>T (p.Arg141Ter)

Gene: PSMB9 (proteasome 20S subunit beta 9; plus strand). Cytogenetic location: 6p21.32.
Variant type: single nucleotide variant.
Coding change: c.421C>T on transcript NM_002800.5 (MANE Select); coding-DNA position 421, C replaced by T.
Protein change: p.Arg141Ter; replaces arginine 141 with a stop codon.
Molecular consequence: nonsense.
Genome position (GRCh38, 1-based): chr6:32,858,394, C>T. VCF-style: chr6-32858394-C-T. GRCh37 (hg19) VCF-style: chr6-32826171-C-T.
Other names: short protein forms R141*.
Identifiers: ClinVar variation 4848746 (VCV004848746.1).
Genomic context (GRCh38, chr6:32,858,394, plus strand): 5'-GATTCTTTAACCTGAGGATCCCTTTCCCAGGTATATGGAACCCTGGGAGGAATGCTGACT[C>T]GACAGCCTTTTGCCATTGGTGGCTCCGGCAGCACCTTTATCTATGGTTATGTGGATGCAG-3'

ClinVar aggregate classification (germline): Benign (1 of 4 stars; one submission).

Submission:

Women's Health and Genetics/Laboratory Corporation of America, LabCorp
Classification: Benign. Last evaluated: 2026-04-08. Review status: criteria provided, single submitter. Criteria: LabCorp Variant Classification Summary - May 2015. Collection method: clinical testing. Allele origin: germline.
Comment: Variant summary: PSMB9 c.421C>T (p.Arg141X) results in a premature termination codon, predicted to cause a truncation of the encoded protein or absence of the protein due to nonsense mediated decay, however current evidence is not sufficient to establish loss of function as a mechanism for disease. The variant allele was found at a frequency of 0.00012 in 1612926 control chromosomes, predominantly at a frequency of 0.00016 within the Non-Finnish European subpopulation in the gnomAD database. The observed variant frequency within Non-Finnish European control individuals in the gnomAD database exceeds the estimated maximal expected allele frequency for disease-causing variants in PSMB9. To our knowledge, no occurrence of c.421C>T in individuals affected with PSMB9-related conditions and no experimental evidence demonstrating its impact on protein function have been reported. No submitters have cited clinical-significance assessments for this variant to ClinVar. Based on the evidence outlined above, the variant was classified as benign.